The following is an entry in ClinVar:

ClinVar aggregate classification (germline): Uncertain significance. Review status: criteria provided, multiple submitters, no conflicts (2 of 4 stars). 3 submissions from 3 submitters: Uncertain significance (3). Last evaluated 2024-08-07.

Conditions:
Inborn genetic diseases. Identifiers: MedGen C0950123, MeSH D030342.

Allele frequency attached by ClinVar (database versions not stated): gnomAD exomes below 0.00001.

Submissions (3):

Ambry Genetics
Classification: Uncertain significance for Inborn genetic diseases. Last evaluated: 2024-08-07. Review status: criteria provided, single submitter. Criteria: Ambry Variant Classification Scheme 2023. Collection method: clinical testing. Allele origin: germline.

Labcorp Genetics (formerly Invitae), Labcorp
Classification: Uncertain significance. Last evaluated: 2021-11-27. Review status: criteria provided, single submitter. Criteria: Invitae Variant Classification Sherloc (09022015). Collection method: clinical testing. Allele origin: germline.
Comment: In summary, the available evidence is currently insufficient to determine the role of this variant in disease. Therefore, it has been classified as a Variant of Uncertain Significance. Algorithms developed to predict the effect of missense changes on protein structure and function are either unavailable or do not agree on the potential impact of this missense change (SIFT: "Deleterious"; PolyPhen-2: "Possibly Damaging"; Align-GVGD: "Class C0"). This variant has not been reported in the literature in individuals affected with PDE6C-related conditions. This variant is not present in population databases (gnomAD no frequency). This sequence change replaces glutamic acid, which is acidic and polar, with glycine, which is neutral and non-polar, at codon 446 of the PDE6C protein (p.Glu446Gly).

Blueprint Genetics
Classification: Uncertain significance. Last evaluated: 2018-06-11. Review status: criteria provided, single submitter. Criteria: ACMG Guidelines, 2015. Collection method: clinical testing. Allele origin: germline.

NM_006204.4(PDE6C):c.1337A>G (p.Glu446Gly)

Gene: PDE6C (phosphodiesterase 6C; plus strand). Cytogenetic location: 10q23.33.
Variant type: single nucleotide variant.
Coding change: c.1337A>G on transcript NM_006204.4 (MANE Select); coding-DNA position 1337, A replaced by G.
Protein change: p.Glu446Gly; replaces glutamic acid 446 with glycine.
Molecular consequence: missense variant.
Genome position (GRCh38, 1-based): chr10:93,635,564, A>G. VCF-style: chr10-93635564-A-G. GRCh37 (hg19) VCF-style: chr10-95395321-A-G.
Other names: c.1337A>G (NM_006204.3); short protein forms E446G.
Identifiers: ClinVar variation 2008035 (VCV002008035.6), dbSNP rs2492526310, ClinGen allele CA377615265.
Genomic context (GRCh38, chr10:93,635,564, plus strand): 5'-CACAATTTCTTGGATGGTCTCTTTTAAATACTGACACCTACGATAAGATGAATAAGCTAG[A>G]AAACAGAAAGGACATTGCTCAGGAAATGCTCATGAACCAAACCAAAGCCACTCCTGAAGA-3'
Protein context (NP_006195.3, residues 436-456): TDTYDKMNKL[Glu446Gly]NRKDIAQEML